The following is an entry in ClinVar:

ClinVar aggregate classification (germline): Benign (0 of 4 stars; one submission).

Conditions:
QRICH2-related disorder. Also called: QRICH2-related condition.

Allele frequency attached by ClinVar (database versions not stated): ExAC 0.35490; gnomAD 0.40573; ESP Exome Variant Server 0.41601; TOPMed 0.42373; 1000 Genomes Project 0.46965; 1000 Genomes Project 30x 0.47111.
gnomAD v4.1: 509,466 of 1,596,580 alleles (32%); highest among the groups gnomAD compares: African/African-American, 66%; 88,988 homozygotes.

Submission:

PreventionGenetics, part of Exact Sciences
Classification: Benign for QRICH2-related condition. Last evaluated: 2019-10-18. Review status: no assertion criteria provided. Collection method: clinical testing. Allele origin: germline.
Comment: This variant is classified as benign based on ACMG/AMP sequence variant interpretation guidelines (Richards et al. 2015 PMID: 25741868, with internal and published modifications).

NM_001388453.1(QRICH2):c.711A>T (p.Ser237=)

Gene: QRICH2 (glutamine rich 2; minus strand). Cytogenetic location: 17q25.1.
Variant type: single nucleotide variant.
Coding change: c.711A>T on transcript NM_001388453.1 (MANE Select); coding-DNA position 711, A replaced by T.
Protein change: p.Ser237=; no amino-acid change (serine 237 retained).
Molecular consequence: synonymous variant.
Genome position (GRCh38, 1-based): chr17:76,294,016, T>A on the plus strand (A>T on the coding strand, the complement: QRICH2 is on the minus strand). VCF-style: chr17-76294016-T-A. GRCh37 (hg19) VCF-style: chr17-74290097-T-A.
Other names: c.711A>T, p.Ser237= (NM_032134.3).
Identifiers: ClinVar variation 3059537 (VCV003059537.2), dbSNP rs7225131, ClinGen allele CA8784429.
Genomic context (GRCh38, chr17:76,294,016, plus strand): 5'-CCCTTCAGGTGATGTTAAGGAAGTGAACCCTCCGTGCTTAGAAAATCCCATAAGTGTTTC[T>A]GAGCCCTGGTTGGAGAGGAAGAAGGAAATCAATAACAGTCAAAATATTCACTATCAGAGT-3'
Protein context (NP_001375382.1, residues 227-247): TDGWRASQAG[Ser237=]ETLMGFSKHG